The following is an entry in ClinVar:

ClinVar aggregate classification (germline): Uncertain significance (1 of 4 stars; one submission).

Submission:

Labcorp Genetics (formerly Invitae), Labcorp
Classification: Uncertain significance. Last evaluated: 2021-11-26. Review status: criteria provided, single submitter. Criteria: Invitae Variant Classification Sherloc (09022015). Collection method: clinical testing. Allele origin: germline.
Comment: This sequence change replaces glutamic acid, which is acidic and polar, with lysine, which is basic and polar, at codon 1120 of the CAD protein (p.Glu1120Lys). This variant is not present in population databases (gnomAD no frequency). This variant has not been reported in the literature in individuals affected with CAD-related conditions. Algorithms developed to predict the effect of missense changes on protein structure and function are either unavailable or do not agree on the potential impact of this missense change (SIFT: "Deleterious"; PolyPhen-2: "Possibly Damaging"; Align-GVGD: "Class C15"). In summary, the available evidence is currently insufficient to determine the role of this variant in disease. Therefore, it has been classified as a Variant of Uncertain Significance.

NM_004341.5(CAD):c.3358G>A (p.Glu1120Lys)

Gene: CAD (carbamoyl-phosphate synthetase 2, aspartate transcarbamylase, and dihydroorotase; plus strand). Cytogenetic location: 2p23.3.
Variant type: single nucleotide variant.
Coding change: c.3358G>A on transcript NM_004341.5 (MANE Select); coding-DNA position 3358, G replaced by A.
Protein change: p.Glu1120Lys; replaces glutamic acid 1120 with lysine.
Molecular consequence: missense variant.
Genome position (GRCh38, 1-based): chr2:27,233,767, G>A. VCF-style: chr2-27233767-G-A. GRCh37 (hg19) VCF-style: chr2-27456635-G-A.
Other names: c.3169G>A, p.Glu1057Lys (NM_001306079.2); short protein forms E1057K, E1120K.
Identifiers: ClinVar variation 1516209 (VCV001516209.3), dbSNP rs1675875916, ClinGen allele CA346215368.
Genomic context (GRCh38, chr2:27,233,767, plus strand): 5'-GTGGCCTACACGGATGGAGACCTGGAGCGCTTCCTGAGCAGCGCAGCAGCCGTCTCCAAA[G>A]AGCATCCCGTGGTCATCTCCAAGTTCATCCAGGAGGCTAAGGTGGGAGGCTGCAGACAGT-3'
Protein context (NP_004332.2, residues 1110-1130): FLSSAAAVSK[Glu1120Lys]HPVVISKFIQ